The following is an entry in ClinVar:

NM_000093.5(COL5A1):c.761C>T (p.Ser254Leu)

Gene: COL5A1 (collagen type V alpha 1 chain; plus strand). Cytogenetic location: 9q34.3.
Variant type: single nucleotide variant.
Coding change: c.761C>T on transcript NM_000093.5 (MANE Select); coding-DNA position 761, C replaced by T.
Protein change: p.Ser254Leu; replaces serine 254 with leucine.
Molecular consequence: missense variant.
Genome position (GRCh38, 1-based): chr9:134,727,372, C>T. VCF-style: chr9-134727372-C-T. GRCh37 (hg19) VCF-style: chr9-137619218-C-T.
Other names: c.761C>T, p.Ser254Leu (NM_001278074.1); short protein forms S254L.
Identifiers: ClinVar variation 237008 (VCV000237008.33), dbSNP rs144844792, ClinGen allele CA5318514.
Genomic context (GRCh38, chr9:134,727,372, plus strand): 5'-ATGATTACTGTGAGCACTACAGCCCTGACTGTGACACCGCAGTACCTGACACCCCACAGT[C>T]GCAGGACCCCAATCCAGATGAATATGTGAGTTAACTCTGGCTGGGATCTTGGGGAGCATG-3'
Protein context (NP_000084.3, residues 244-264): CDTAVPDTPQ[Ser254Leu]QDPNPDEYYT

ClinVar aggregate classification (germline): Benign/Likely benign. Review status: criteria provided, multiple submitters, no conflicts (2 of 4 stars). 11 submissions from 10 submitters: Benign (6); Likely benign (4). 1 of the submissions does not count toward it. Last evaluated 2026-03-27.

Conditions:
COL5A1-related disorder. Also called: COL5A1-related condition.
Fibromuscular dysplasia, multifocal. Identifiers: MedGen C5543412, MONDO:0859151, OMIM 619329.
Familial thoracic aortic aneurysm and aortic dissection (TAAD). Also called: Thoracic aortic aneurysms and dissections. Identifiers: Orphanet 91387, MedGen C4707243, MONDO:0019625.
Ehlers-Danlos syndrome, classic type, 1 (EDSCL1). Also called: EHLERS-DANLOS SYNDROME, GRAVIS TYPE; EHLERS-DANLOS SYNDROME, SEVERE CLASSIC TYPE; Ehlers-Danlos syndrome, type 1; Ehlers-Danlos Syndrome, Classic Type, COL5A1-Related; EDS I. Identifiers: MedGen C0268335, MONDO:0019567, OMIM 130000.
Ehlers-Danlos syndrome, classic type (cEDS). Identifiers: Orphanet 287, MedGen C4225429, MONDO:0007522.

Allele frequency attached by ClinVar (database versions not stated): ExAC 0.00105; 1000 Genomes Project 30x 0.00203; 1000 Genomes Project 0.00240; gnomAD 0.00006 and 0.00026; TOPMed 0.00012; ESP Exome Variant Server 0.00015; gnomAD exomes 0.00047 and 0.00098.
gnomAD v4.1: 731 of 1,614,126 alleles (0.045%); highest among the groups gnomAD compares: South Asian, 0.63%; 8 homozygotes.

Submissions (11):

Molecular Diagnostic Laboratory for Inherited Cardiovascular Disease, Montreal Heart Institute
Classification: Likely benign. Last evaluated: 2026-03-27. Review status: criteria provided, single submitter. Criteria: ACMG Guidelines, 2015. Collection method: clinical testing. Allele origin: germline. Affected: no.
Comment: BS1;BP6

Labcorp Genetics (formerly Invitae), Labcorp
Classification: Benign for Ehlers-Danlos syndrome, classic type, 1. Last evaluated: 2026-01-30. Review status: criteria provided, single submitter. Criteria: Invitae Variant Classification Sherloc (09022015). Collection method: clinical testing. Allele origin: germline.

CeGaT Center for Human Genetics Tuebingen
Classification: Likely benign. Last evaluated: 2025-09-01. Review status: criteria provided, single submitter. Criteria: CeGaT Center For Human Genetics Tuebingen Variant Classification Criteria Version 2. Collection method: clinical testing. Allele origin: germline. Affected: yes. Observed: 1 variant allele.
Comment: COL5A1: BS2

Blueprint Genetics
Classification: Likely benign. Last evaluated: 2024-11-18. Review status: criteria provided, single submitter. Criteria: ACMG Guidelines, 2015. Collection method: clinical testing. Allele origin: germline.

Genome-Nilou Lab
Classification: Benign for Ehlers-Danlos syndrome, classic type, 1. Last evaluated: 2022-03-15. Review status: criteria provided, single submitter. Criteria: ACMG Guidelines, 2015. Collection method: clinical testing. Allele origin: germline. Affected: no.

Genome-Nilou Lab
Classification: Benign for Fibromuscular dysplasia, multifocal. Last evaluated: 2022-03-15. Review status: criteria provided, single submitter. Criteria: ACMG Guidelines, 2015. Collection method: clinical testing. Allele origin: germline. Affected: no.

Illumina Laboratory Services, Illumina
Classification: Benign for Ehlers-Danlos syndrome, classic type, 1. Last evaluated: 2018-01-13. Review status: criteria provided, single submitter. Criteria: ICSL Variant Classification Criteria 13 December 2019. Collection method: clinical testing. Allele origin: germline.
Comment: This variant was observed in the ICSL laboratory as part of a predisposition screen in an ostensibly healthy population. It had not been previously curated by ICSL or reported in the Human Gene Mutation Database (HGMD: prior to June 1st, 2018), and was therefore a candidate for classification through an automated scoring system. Utilizing variant allele frequency, disease prevalence and penetrance estimates, and inheritance mode, an automated score was calculated to assess if this variant is too frequent to cause the disease. Based on the score and internal cut-off values, a variant classified as benign is not then subjected to further curation. The score for this variant resulted in a classification of benign for this disease.

Ambry Genetics
Classification: Benign for Familial thoracic aortic aneurysm and aortic dissection. Last evaluated: 2017-03-07. Review status: criteria provided, single submitter. Criteria: Ambry Variant Classification Scheme 2023. Collection method: clinical testing. Allele origin: germline.

GeneDx
Classification: Benign. Last evaluated: 2016-02-10. Review status: criteria provided, single submitter. Criteria: GeneDx Variant Classification (06012015). Collection method: clinical testing. Allele origin: germline. Affected: yes.
Comment: This variant is considered likely benign or benign based on one or more of the following criteria: it is a conservative change, it occurs at a poorly conserved position in the protein, it is predicted to be benign by multiple in silico algorithms, and/or has population frequency not consistent with disease.

Breakthrough Genomics
Classification: Likely benign. Review status: criteria provided, single submitter. Criteria: ACMG Guidelines, 2015. Collection method: not provided. Allele origin: germline. Inheritance: Autosomal dominant inheritance. Affected: yes.

PreventionGenetics, part of Exact Sciences
Classification: Likely benign for COL5A1-related condition. Last evaluated: 2020-03-16. Review status: no assertion criteria provided. Collection method: clinical testing. Allele origin: germline. Not counted in ClinVar's aggregate classification.
Comment: This variant is classified as likely benign based on ACMG/AMP sequence variant interpretation guidelines (Richards et al. 2015 PMID: 25741868, with internal and published modifications).